The following is an entry in ClinVar:

NM_017573.5(PCSK4):c.1775C>T (p.Thr592Ile)

Gene: PCSK4 (proprotein convertase subtilisin/kexin type 4; minus strand). Cytogenetic location: 19p13.3.
Variant type: single nucleotide variant.
Coding change: c.1775C>T on transcript NM_017573.5 (MANE Select); coding-DNA position 1775, C replaced by T.
Protein change: p.Thr592Ile; replaces threonine 592 with isoleucine.
Molecular consequence: missense variant. On other transcripts: synonymous variant (1).
Genome position (GRCh38, 1-based): chr19:1,482,397, G>A on the plus strand (C>T on the coding strand, the complement: PCSK4 is on the minus strand). VCF-style: chr19-1482397-G-A. GRCh37 (hg19) VCF-style: chr19-1482396-G-A.
Other names: c.1650C>T, p.Asp550= (NM_001395257.1); short protein forms T592I.
Identifiers: ClinVar variation 2648936 (VCV002648936.24), dbSNP rs61733913, ClinGen allele CA9046551.
Genomic context (GRCh38, chr19:1,482,397, plus strand): 5'-CCCCGCCGGCACTCACCCTGGCACAGCCCCTCTGTGTCCCGCTGCACACACGCGCTGCTG[G>A]TCACCTGGGGGCCTGTAGGCCGCGCTGTCATGTCCTCGGCCGTCCCATAGAGCAGCAGCG-3'
Protein context (NP_060043.2, residues 582-602): MTARPTGPQV[Thr592Ile]SSACVQRDTE

ClinVar aggregate classification (germline): Likely benign (1 of 4 stars; one submission).

Allele frequency attached by ClinVar (database versions not stated): 1000 Genomes Project 0.00260; 1000 Genomes Project 30x 0.00281; TOPMed 0.00460; gnomAD 0.00462; ESP Exome Variant Server 0.00609; gnomAD exomes 0.00713; ExAC 0.01082.
gnomAD v4.1: 10,809 of 1,594,114 alleles (0.68%); highest among the groups gnomAD compares: Non-Finnish European, 0.83%; 38 homozygotes.

Submission:

CeGaT Center for Human Genetics Tuebingen
Classification: Likely benign. Last evaluated: 2023-03-01. Review status: criteria provided, single submitter. Criteria: CeGaT Center For Human Genetics Tuebingen Variant Classification Criteria Version 2. Collection method: clinical testing. Allele origin: germline. Affected: yes. Observed: 1 variant allele.
Comment: PCSK4: BS2